The following is an entry in ClinVar:

ClinVar aggregate classification (germline): Uncertain significance (1 of 4 stars; one submission).

gnomAD v4.1: 1 of 1,605,354 alleles (0.000062%); highest among the groups gnomAD compares: Non-Finnish European, 0.000085%; no homozygotes.

Submission:

GeneDx
Classification: Uncertain significance. Last evaluated: 2025-08-14. Review status: criteria provided, single submitter. Criteria: GeneDx Variant Classification Process June 2021. Collection method: clinical testing. Allele origin: germline.
Comment: Not observed at significant frequency in large population cohorts (gnomAD); In silico analysis supports that this missense variant has a deleterious effect on protein structure/function; Has not been previously published as pathogenic or benign to our knowledge

NM_014516.4(CNOT3):c.1966C>T (p.His656Tyr)

Gene: CNOT3 (CCR4-NOT transcription complex subunit 3; plus strand). Cytogenetic location: 19q13.42.
Variant type: single nucleotide variant.
Coding change: c.1966C>T on transcript NM_014516.4 (MANE Select); coding-DNA position 1966, C replaced by T.
Protein change: p.His656Tyr; replaces histidine 656 with tyrosine.
Molecular consequence: missense variant.
Genome position (GRCh38, 1-based): chr19:54,152,928, C>T. VCF-style: chr19-54152928-C-T. GRCh37 (hg19) VCF-style: chr19-54656665-C-T.
Other names: short protein forms H656Y.
Identifiers: ClinVar variation 3368326 (VCV003368326.2).